The following is an entry in ClinVar:

ClinVar aggregate classification (germline): Benign (1 of 4 stars; one submission).

Submission:

Unidad de Genómica Garrahan, Hospital de Pediatría Garrahan
Classification: Benign. Last evaluated: 2024-01-24. Review status: criteria provided, single submitter. Criteria: ACMG Guidelines, 2015. Collection method: clinical testing. Allele origin: germline. Affected: no. Observed: 38 variant alleles.
Comment: This variant is classified as Benign based on local population frequency. This variant was detected in 43% of patients studied by a panel of primary immunodeficiencies. Number of patients: 38. Only high quality variants are reported.

NM_002163.4(IRF8):c.-1-220_-1-219insCGGCTGCAGG

Gene: IRF8 (interferon regulatory factor 8; plus strand). Cytogenetic location: 16q24.1.
Variant type: Insertion.
Coding change: c.-1-220_-1-219insCGGCTGCAGG on transcript NM_002163.4 (MANE Select); 220 bases into the intron before 1 bases upstream of the start codon through 219 bases into the intron before 1 bases upstream of the start codon, CGGCTGCAGG inserted.
Molecular consequence: intron variant.
Genome position: GRCh38 VCF-style: chr16-85902786-T-TGGCTGCAGGC. GRCh37 (hg19) VCF-style: chr16-85936392-T-TGGCTGCAGGC.
Identifiers: ClinVar variation 2688429 (VCV002688429.2), dbSNP rs11268025, ClinGen allele CA2697556005.
Genomic context (GRCh38, chr16:85,902,786, plus strand): 5'-AGATGAAAGCTGGAAGGAGCACAGCCAGCACAGTGGGAGGGGCCTGCAGGGGGCTGCTGG[T>TGGCTGCAGGC]GGCTGCAGGTTTCCCACGGAGCTTTCAGTTTGCACTCAGGGCTGTGAGGTCATGGAGGCC-3'